The following is an entry in ClinVar:

NM_002878.4(RAD51D):c.191T>G (p.Phe64Cys)

Genes: RAD51D (RAD51 paralog D; minus strand), RAD51L3-RFFL (RAD51L3-RFFL readthrough; minus strand). Cytogenetic location: 17q12.
Variant type: single nucleotide variant.
Coding change: c.191T>G on transcript NM_002878.4 (MANE Select); coding-DNA position 191, T replaced by G.
Protein change: p.Phe64Cys; replaces phenylalanine 64 with cysteine.
Molecular consequence: missense variant. On other transcripts: intron variant (2).
Genome position (GRCh38, 1-based): chr17:35,118,573, A>C on the plus strand (T>G on the coding strand, the complement: RAD51D is on the minus strand). VCF-style: chr17-35118573-A-C. GRCh37 (hg19) VCF-style: chr17-33445592-A-C.
Other names: c.144+538T>G (NM_133629.3, NM_001142571.2); short protein forms F64C.
Identifiers: ClinVar variation 1782655 (VCV001782655.2), dbSNP rs2142474380, ClinGen allele CA399091432.

ClinVar aggregate classification (germline): Uncertain significance (1 of 4 stars; one submission).

Conditions:
Hereditary cancer-predisposing syndrome. Also called: Neoplastic Syndromes, Hereditary; Tumor predisposition; Hereditary Cancer Syndrome; Hereditary neoplastic syndrome. Identifiers: Orphanet 140162, MedGen C0027672, MeSH D009386, MONDO:0015356.

Submission:

Ambry Genetics
Classification: Uncertain significance for Hereditary cancer-predisposing syndrome. Last evaluated: 2020-02-28. Review status: criteria provided, single submitter. Criteria: Ambry Variant Classification Scheme 2023. Collection method: clinical testing. Allele origin: germline.
Comment: The p.F64C variant (also known as c.191T>G), located in coding exon 3 of the RAD51D gene, results from a T to G substitution at nucleotide position 191. The phenylalanine at codon 64 is replaced by cysteine, an amino acid with highly dissimilar properties. This amino acid position is highly conserved in available vertebrate species. In addition, the in silico prediction for this alteration is inconclusive. Since supporting evidence is limited at this time, the clinical significance of this alteration remains unclear.